The following is an entry in ClinVar:

NM_001142800.2(EYS):c.8846A>T (p.Glu2949Val)

Genes: EYS (EGF-like photoreceptor maintenance factor; minus strand), PHF3 (PHD finger protein 3; plus strand). Cytogenetic location: 6q12.
Variant type: single nucleotide variant.
Coding change: c.8846A>T on transcript NM_001142800.2 (MANE Select); coding-DNA position 8846, A replaced by T.
Protein change: p.Glu2949Val; replaces glutamic acid 2949 with valine.
Molecular consequence: missense variant. On other transcripts: 3 prime UTR variant (5).
Genome position (GRCh38, 1-based): chr6:63,721,185, T>A on the plus strand (A>T on the coding strand, the complement: EYS is on the minus strand). VCF-style: chr6-63721185-T-A. GRCh37 (hg19) VCF-style: chr6-64431081-T-A.
Other names: c.*7477T>A (NM_001290259.2, NM_001370348.2, NM_001370349.2 and 2 more transcripts); c.8909A>T, p.Glu2970Val (NM_001292009.2); short protein forms E2970V, E2949V.
Identifiers: ClinVar variation 937717 (VCV000937717.10), dbSNP rs1768370055, ClinGen allele CA364383845.

ClinVar aggregate classification (germline): Uncertain significance. Review status: criteria provided, single submitter (1 of 4 stars). 2 submissions from 2 submitters: Uncertain significance (1). 1 of the submissions does not count toward it. Last evaluated 2022-09-13.

Conditions:
Retinitis pigmentosa 25 (RP25). Identifiers: Orphanet 791, MedGen C1864446, MONDO:0011272, OMIM 602772.

Allele frequency attached by ClinVar (database versions not stated): gnomAD exomes below 0.00001.
gnomAD v4.1: 1 of 1,551,640 alleles (0.000064%); highest among the groups gnomAD compares: East Asian, 0.0024%; no homozygotes.

Submissions (2):

Labcorp Genetics (formerly Invitae), Labcorp
Classification: Uncertain significance. Last evaluated: 2022-09-13. Review status: criteria provided, single submitter. Criteria: Invitae Variant Classification Sherloc (09022015). Collection method: clinical testing. Allele origin: germline.
Comment: This sequence change replaces glutamic acid, which is acidic and polar, with valine, which is neutral and non-polar, at codon 2949 of the EYS protein (p.Glu2949Val). This variant is not present in population databases (gnomAD no frequency). This variant has not been reported in the literature in individuals affected with EYS-related conditions. ClinVar contains an entry for this variant (Variation ID: 937717). Advanced modeling of protein sequence and biophysical properties (such as structural, functional, and spatial information, amino acid conservation, physicochemical variation, residue mobility, and thermodynamic stability) has been performed at Invitae for this missense variant, however the output from this modeling did not meet the statistical confidence thresholds required to predict the impact of this variant on EYS protein function. In summary, the available evidence is currently insufficient to determine the role of this variant in disease. Therefore, it has been classified as a Variant of Uncertain Significance.

Natera, Inc.
Classification: Uncertain significance for Retinitis pigmentosa type 25. Last evaluated: 2020-06-04. Review status: no assertion criteria provided. Collection method: clinical testing. Allele origin: germline. Not counted in ClinVar's aggregate classification.